The following is an entry in ClinVar:

NM_000548.5(TSC2):c.2297T>C (p.Val766Ala)

Gene: TSC2 (TSC complex subunit 2; plus strand). Cytogenetic location: 16p13.3.
Variant type: single nucleotide variant.
Coding change: c.2297T>C on transcript NM_000548.5 (MANE Select); coding-DNA position 2297, T replaced by C.
Protein change: p.Val766Ala; replaces valine 766 with alanine.
Molecular consequence: missense variant.
Genome position (GRCh38, 1-based): chr16:2,072,925, T>C. VCF-style: chr16-2072925-T-C. GRCh37 (hg19) VCF-style: chr16-2122926-T-C.
Other names: c.2297T>C, p.Val766Ala (NM_001077183.3, NM_001114382.3, NM_001363528.2 and 3 more transcripts); c.2186T>C, p.Val729Ala (NM_001318827.2); c.2150T>C, p.Val717Ala (NM_001318829.2); c.1697T>C, p.Val566Ala (NM_001318831.2); c.2330T>C, p.Val777Ala (NM_001318832.2); short protein forms V766A, V729A, V777A, V566A, V717A.
Identifiers: ClinVar variation 535969 (VCV000535969.33), dbSNP rs780682938, ClinGen allele CA038262.

ClinVar aggregate classification (germline): Conflicting classifications of pathogenicity. Review status: criteria provided, conflicting classifications (1 of 4 stars). 7 submissions from 7 submitters: Uncertain significance (4); Likely benign (3). Last evaluated 2025-11-03.

Conditions:
Tuberous sclerosis syndrome (TSC). Also called: Tuberous Sclerosis Complex; Tuberous sclerosis. Identifiers: Orphanet 805, MedGen C0041341, MONDO:0001734.
Tuberous sclerosis 2 (TSC2). Identifiers: Orphanet 805, MedGen C1860707, MONDO:0013199, OMIM 613254.
Hereditary cancer-predisposing syndrome. Also called: Neoplastic Syndromes, Hereditary; Tumor predisposition; Hereditary Cancer Syndrome; Hereditary neoplastic syndrome. Identifiers: Orphanet 140162, MedGen C0027672, MeSH D009386, MONDO:0015356.

Allele frequency attached by ClinVar (database versions not stated): TOPMed below 0.00001; ExAC 0.00001; gnomAD 0.00001; gnomAD exomes 0.00001.
gnomAD v4.1: 13 of 1,613,506 alleles (0.00081%); highest among the groups gnomAD compares: Non-Finnish European, 0.001%; no homozygotes.

Submissions (7):

Labcorp Genetics (formerly Invitae), Labcorp
Classification: Likely benign for Tuberous sclerosis 2. Last evaluated: 2025-11-03. Review status: criteria provided, single submitter. Criteria: Invitae Variant Classification Sherloc (09022015). Collection method: clinical testing. Allele origin: germline.

All of Us Research Program, National Institutes of Health
Classification: Uncertain significance for Tuberous sclerosis syndrome. Last evaluated: 2024-08-13. Review status: criteria provided, single submitter. Criteria: ACMG Guidelines, 2015. Collection method: clinical testing. Allele origin: germline. Inheritance: Autosomal dominant inheritance. Observed: 4 variant alleles, 4 heterozygotes.
Comment: This missense variant replaces valine with alanine at codon 766 of the TSC2 protein. Computational prediction suggests that this variant may have deleterious impact on protein structure and function (internally defined REVEL score threshold >= 0.7, PMID: 27666373). To our knowledge, functional studies have not been reported for this variant. This variant has not been reported in individuals affected with TSC2-related disorders in the literature. This variant has been identified in 2/251056 chromosomes in the general population by the Genome Aggregation Database (gnomAD). The available evidence is insufficient to determine the role of this variant in disease conclusively. Therefore, this variant is classified as a Variant of Uncertain Significance.

This study involves interpretation of variants in research participants for the purpose of population health screening. Participant phenotype was not available at the time of variant classification. Additional details can be found in publication PMID: 35346344, PMCID: PMC8962531

Color Diagnostics, LLC DBA Color Health
Classification: Uncertain significance for Tuberous sclerosis syndrome. Last evaluated: 2024-07-24. Review status: criteria provided, single submitter. Criteria: ACMG Guidelines, 2015. Collection method: clinical testing. Allele origin: germline.
Comment: This missense variant replaces valine with alanine at codon 766 of the TSC2 protein. Computational prediction suggests that this variant may have deleterious impact on protein structure and function. To our knowledge, functional studies have not been reported for this variant. This variant has not been reported in individuals affected with TSC2-related disorders in the literature. This variant has been identified in 2/251056 chromosomes in the general population by the Genome Aggregation Database (gnomAD). The available evidence is insufficient to determine the role of this variant in disease conclusively. Therefore, this variant is classified as a Variant of Uncertain Significance.

Quest Diagnostics Nichols Institute San Juan Capistrano
Classification: Uncertain significance. Last evaluated: 2024-07-02. Review status: criteria provided, single submitter. Criteria: Quest Diagnostics criteria. Collection method: clinical testing. Allele origin: unknown.

Ambry Genetics
Classification: Likely benign for Hereditary cancer-predisposing syndrome. Last evaluated: 2023-05-08. Review status: criteria provided, single submitter. Criteria: Ambry Variant Classification Scheme 2023. Collection method: clinical testing. Allele origin: germline.

GeneDx
Classification: Uncertain significance. Last evaluated: 2023-01-17. Review status: criteria provided, single submitter. Criteria: GeneDx Variant Classification Process June 2021. Collection method: clinical testing. Allele origin: germline. Affected: yes.
Comment: In silico analysis supports that this missense variant has a deleterious effect on protein structure/function; Has not been previously published as pathogenic or benign to our knowledge

Genome-Nilou Lab
Classification: Likely benign for Tuberous sclerosis 2. Last evaluated: 2021-11-07. Review status: criteria provided, single submitter. Criteria: ACMG Guidelines, 2015. Collection method: clinical testing. Allele origin: germline. Affected: no.